The following is an entry in ClinVar:

ClinVar aggregate classification (germline): Conflicting classifications of pathogenicity. Review status: criteria provided, conflicting classifications (1 of 4 stars). 3 submissions from 3 submitters: Likely pathogenic (1); Uncertain significance (2). Last evaluated 2022-11-29.

Allele frequency attached by ClinVar (database versions not stated): TOPMed 0.00002.

Submissions (3):

Blueprint Genetics
Classification: Uncertain significance. Last evaluated: 2022-11-29. Review status: criteria provided, single submitter. Criteria: ACMG Guidelines, 2015. Collection method: clinical testing. Allele origin: germline.

Labcorp Genetics (formerly Invitae), Labcorp
Classification: Uncertain significance. Last evaluated: 2022-05-04. Review status: criteria provided, single submitter. Criteria: Invitae Variant Classification Sherloc (09022015). Collection method: clinical testing. Allele origin: germline.
Comment: This sequence change replaces glycine, which is neutral and non-polar, with tryptophan, which is neutral and slightly polar, at codon 1280 of the COL18A1 protein (p.Gly1280Trp). This variant is not present in population databases (gnomAD no frequency). This variant has not been reported in the literature in individuals affected with COL18A1-related conditions. ClinVar contains an entry for this variant (Variation ID: 427063). Experimental studies and prediction algorithms are not available or were not evaluated, and the functional significance of this variant is currently unknown. In summary, the available evidence is currently insufficient to determine the role of this variant in disease. Therefore, it has been classified as a Variant of Uncertain Significance.

GeneDx
Classification: Likely pathogenic. Last evaluated: 2015-07-13. Review status: criteria provided, single submitter. Criteria: GeneDx Variant Classification (06012015). Collection method: clinical testing. Allele origin: germline. Affected: yes.
Comment: The G1280W variant in the COL18A1 gene has not been published as a pathogenic variant, nor has it been reported as a benign polymorphism to our knowledge. The G1280W variant was not observed in approximately 6,300 individuals of European and African American ancestry in the NHLBI Exome Sequencing Project, indicating it is not a common benign variant in these populations. The G1280W variant is a semi-conservative amino acid substitution, which may impact secondary protein structure as these residues differ in some properties. This substitution occurs at a position conserved across species. In silico analysis predicts this variant is probably damaging to the protein structure/function. The G1280W variant is a strong candidate for a disease-causing variant, however the possibility it may be a rare benign variant cannot be excluded

NM_001379500.1(COL18A1):c.3847G>T (p.Gly1283Trp)

Genes: COL18A1 (collagen type XVIII alpha 1 chain; plus strand), SLC19A1 (solute carrier family 19 member 1; minus strand). Cytogenetic location: 21q22.3.
Variant type: single nucleotide variant.
Coding change: c.3847G>T on transcript NM_001379500.1 (MANE Select); coding-DNA position 3847, G replaced by T.
Protein change: p.Gly1283Trp; replaces glycine 1283 with tryptophan.
Molecular consequence: missense variant.
Genome position (GRCh38, 1-based): chr21:45,512,225, G>T. VCF-style: chr21-45512225-G-T. GRCh37 (hg19) VCF-style: chr21-46932139-G-T.
Other names: NM_130445.2:c.3838G>T; c.4378G>T, p.Gly1460Trp (NM_030582.4); c.5083G>T, p.Gly1695Trp (NM_130444.3); short protein forms G1460W, G1695W, G1283W.
Identifiers: ClinVar variation 427063 (VCV000427063.6), dbSNP rs1085307935, ClinGen allele CA410502175.